The following is an entry in ClinVar:

NM_018972.4(GDAP1):c.785G>A (p.Gly262Glu)

Gene: GDAP1 (ganglioside induced differentiation associated protein 1; plus strand). Cytogenetic location: 8q21.11.
Variant type: single nucleotide variant.
Coding change: c.785G>A on transcript NM_018972.4 (MANE Select); coding-DNA position 785, G replaced by A.
Protein change: p.Gly262Glu; replaces glycine 262 with glutamic acid.
Molecular consequence: missense variant. On other transcripts: intron variant (1).
Genome position (GRCh38, 1-based): chr8:74,364,075, G>A. VCF-style: chr8-74364075-G-A. GRCh37 (hg19) VCF-style: chr8-75276310-G-A.
Other names: c.581G>A, p.Gly194Glu (NM_001040875.4); c.458G>A, p.Gly153Glu (NM_001362929.2, NM_001362932.2); c.611G>A, p.Gly204Glu (NM_001362930.2); c.694+1022G>A (NM_001362931.2); short protein forms G262E, G153E, G204E, G194E.
Identifiers: ClinVar variation 566885 (VCV000566885.8), dbSNP rs1563445155, ClinGen allele CA371550220.
Genomic context (GRCh38, chr8:74,364,075, plus strand): 5'-AATCCTTCACCCTGGCAGACGTCTCACTCGCTGTCACATTGCATCGACTGAAGTTCCTGG[G>A]GTTTGCAAGGAGAAACTGGGGAAACGGAAAGCGACCAAACTTGGAAACCTATTACGAGCG-3'
Protein context (NP_061845.2, residues 252-272): AVTLHRLKFL[Gly262Glu]FARRNWGNGK

ClinVar aggregate classification (germline): Uncertain significance (1 of 4 stars; one submission).

Conditions:
Charcot-Marie-Tooth disease type 4A. Also called: Charcot-Marie-Tooth disease, demyelinating, autosomal recessive, type 4a. Identifiers: Orphanet 99948, MedGen C1859198, MONDO:0008961, OMIM 214400.

gnomAD v4.1: 1 of 1,614,086 alleles (0.000062%); highest among the groups gnomAD compares: Non-Finnish European, 0.000085%; no homozygotes.

Submission:

Labcorp Genetics (formerly Invitae), Labcorp
Classification: Uncertain significance for Charcot-Marie-Tooth disease type 4A. Last evaluated: 2018-05-08. Review status: criteria provided, single submitter. Criteria: Invitae Variant Classification Sherloc (09022015). Collection method: clinical testing. Allele origin: germline.
Comment: In summary, the available evidence is currently insufficient to determine the role of this variant in disease. Therefore, it has been classified as a Variant of Uncertain Significance. Algorithms developed to predict the effect of missense changes on protein structure and function do not agree on the potential impact of this missense change (SIFT: "Tolerated"; PolyPhen-2: "Probably Damaging"; Align-GVGD: "Class C0"). This variant has not been reported in the literature in individuals with GDAP1-related disease. This variant is not present in population databases (ExAC no frequency). This sequence change replaces glycine with glutamic acid at codon 262 of the GDAP1 protein (p.Gly262Glu). The glycine residue is highly conserved and there is a moderate physicochemical difference between glycine and glutamic acid.